The following is an entry in ClinVar:

NM_001256789.3(CACNA1F):c.3418T>C (p.Cys1140Arg)

Gene: CACNA1F (calcium voltage-gated channel subunit alpha1 F; minus strand). Cytogenetic location: Xp11.23.
Variant type: single nucleotide variant.
Coding change: c.3418T>C on transcript NM_001256789.3 (MANE Select); coding-DNA position 3418, T replaced by C.
Protein change: p.Cys1140Arg; replaces cysteine 1140 with arginine.
Molecular consequence: missense variant.
Genome position (GRCh38, 1-based): chrX:49,215,362, A>G on the plus strand (T>C on the coding strand, the complement: CACNA1F is on the minus strand). VCF-style: chrX-49215362-A-G. GRCh37 (hg19) VCF-style: chrX-49071822-A-G.
Other names: c.3256T>C, p.Cys1086Arg (NM_001256790.3); c.3451T>C, p.Cys1151Arg (NM_005183.4); short protein forms C1140R, C1086R, C1151R.
Identifiers: ClinVar variation 2119480 (VCV002119480.4), dbSNP rs2520871237, ClinGen allele CA412963422.

ClinVar aggregate classification (germline): Uncertain significance (1 of 4 stars; one submission).

Allele frequency attached by ClinVar (database versions not stated): gnomAD exomes below 0.00001.
gnomAD v4.1: 1 of 1,210,756 alleles (0.000083%); highest among the groups gnomAD compares: Non-Finnish European, 0.00011%; no homozygotes.

Submission:

Labcorp Genetics (formerly Invitae), Labcorp
Classification: Uncertain significance. Last evaluated: 2022-11-08. Review status: criteria provided, single submitter. Criteria: Invitae Variant Classification Sherloc (09022015). Collection method: clinical testing. Allele origin: germline.
Comment: In summary, the available evidence is currently insufficient to determine the role of this variant in disease. Therefore, it has been classified as a Variant of Uncertain Significance. Advanced modeling of protein sequence and biophysical properties (such as structural, functional, and spatial information, amino acid conservation, physicochemical variation, residue mobility, and thermodynamic stability) performed at Invitae indicates that this missense variant is expected to disrupt CACNA1F protein function. This variant has not been reported in the literature in individuals affected with CACNA1F-related conditions. This variant is not present in population databases (gnomAD no frequency). This sequence change replaces cysteine, which is neutral and slightly polar, with arginine, which is basic and polar, at codon 1151 of the CACNA1F protein (p.Cys1151Arg).